The following is an entry in ClinVar:

ClinVar aggregate classification (germline): Uncertain significance (1 of 4 stars; one submission).

Conditions:
Aarskog syndrome (AAS). Also called: Aarskog Scott syndrome; Aarskog disease; Aarskog-Scott syndrome, X-linked; FGD1-Related Faciogenital Dysplasia (Aarskog-Scott Syndrome); FGDY. Identifiers: Orphanet 915, MedGen C0175701, MONDO:0010589, OMIM 305400.

Submission:

MVZ Medizinische Genetik Mainz
Classification: Uncertain significance for Aarskog syndrome. Last evaluated: 2023-12-18. Review status: criteria provided, single submitter. Criteria: UK Practice Guidelines For Variant Classification V4 01 2020. Collection method: clinical testing. Allele origin: germline. Inheritance: X-linked dominant inheritance. Affected: yes. Observed: 1 variant allele.
Comment: ACMG Criteria: PM2_SUP, PP2, PP3

NM_004463.3(FGD1):c.2318A>G (p.Tyr773Cys)

Gene: FGD1 (FYVE, RhoGEF and PH domain containing 1; minus strand). Cytogenetic location: Xp11.22.
Variant type: single nucleotide variant.
Coding change: c.2318A>G on transcript NM_004463.3 (MANE Select); coding-DNA position 2318, A replaced by G.
Protein change: p.Tyr773Cys; replaces tyrosine 773 with cysteine.
Molecular consequence: missense variant.
Genome position (GRCh38, 1-based): chrX:54,448,924, T>C on the plus strand (A>G on the coding strand, the complement: FGD1 is on the minus strand). VCF-style: chrX-54448924-T-C. GRCh37 (hg19) VCF-style: chrX-54475357-T-C.
Other names: short protein forms Y773C.
Identifiers: ClinVar variation 3066328 (VCV003066328.1), dbSNP rs2522691559, ClinGen allele CA413358977.